The following is an entry in ClinVar:

NM_000548.5(TSC2):c.1481C>T (p.Ser494Phe)

Gene: TSC2 (TSC complex subunit 2; plus strand). Cytogenetic location: 16p13.3.
Variant type: single nucleotide variant.
Coding change: c.1481C>T on transcript NM_000548.5 (MANE Select); coding-DNA position 1481, C replaced by T.
Protein change: p.Ser494Phe; replaces serine 494 with phenylalanine.
Molecular consequence: missense variant.
Genome position (GRCh38, 1-based): chr16:2,064,309, C>T. VCF-style: chr16-2064309-C-T. GRCh37 (hg19) VCF-style: chr16-2114310-C-T.
Other names: c.1481C>T, p.Ser494Phe (NM_001077183.3, NM_001114382.3, NM_001363528.2 and 3 more transcripts); c.1370C>T, p.Ser457Phe (NM_001318827.2); c.1334C>T, p.Ser445Phe (NM_001318829.2); c.881C>T, p.Ser294Phe (NM_001318831.2); c.1514C>T, p.Ser505Phe (NM_001318832.2); short protein forms S494F, S457F, S505F, S294F, S445F.
Identifiers: ClinVar variation 423778 (VCV000423778.19), dbSNP rs751984707, ClinGen allele CA030798.

ClinVar aggregate classification (germline): Conflicting classifications of pathogenicity. Review status: criteria provided, conflicting classifications (1 of 4 stars). 6 submissions from 6 submitters: Uncertain significance (5); Benign (1). Last evaluated 2025-11-18.

Conditions:
Isolated focal cortical dysplasia type II (FCORD2). Also called: Focal cortical dysplasia type II; CORTICAL DYSPLASIA OF TAYLOR. Identifiers: Orphanet 268994, MedGen C1846385, MONDO:0011818, OMIM 607341, HP:0032051.
Hereditary cancer-predisposing syndrome. Also called: Hereditary neoplastic syndrome; Hereditary Cancer Syndrome; Neoplastic Syndromes, Hereditary; Tumor predisposition. Identifiers: Orphanet 140162, MedGen C0027672, MeSH D009386, MONDO:0015356.
Tuberous sclerosis syndrome (TSC). Also called: Tuberous sclerosis; Tuberous Sclerosis Complex. Identifiers: Orphanet 805, MedGen C0041341, MONDO:0001734.
Tuberous sclerosis 2 (TSC2). Identifiers: Orphanet 805, MedGen C1860707, MONDO:0013199, OMIM 613254.

Allele frequency attached by ClinVar (database versions not stated): gnomAD exomes below 0.00001; ExAC 0.00001; TOPMed 0.00001.
gnomAD v4.1: 1 of 1,613,908 alleles (0.000062%); highest among the groups gnomAD compares: South Asian, 0.0011%; no homozygotes.

Submissions (6):

Labcorp Genetics (formerly Invitae), Labcorp
Classification: Benign for Tuberous sclerosis 2. Last evaluated: 2025-11-18. Review status: criteria provided, single submitter. Criteria: Invitae Variant Classification Sherloc (09022015). Collection method: clinical testing. Allele origin: germline.

Color Diagnostics, LLC DBA Color Health
Classification: Uncertain significance for Tuberous sclerosis syndrome. Last evaluated: 2025-07-11. Review status: criteria provided, single submitter. Criteria: ACMG Guidelines, 2015. Collection method: clinical testing. Allele origin: germline.
Comment: This missense variant replaces serine with phenylalanine at codon 494 of the TSC2 protein. Computational prediction suggests that this variant may not impact protein structure and function. To our knowledge, functional studies have not been reported for this variant. This variant has not been reported in individuals affected with TSC2-related disorders in the literature. This variant has been identified in 1/251366 chromosomes in the general population by the Genome Aggregation Database (gnomAD). The available evidence is insufficient to determine the role of this variant in disease conclusively. Therefore, this variant is classified as a Variant of Uncertain Significance.

GeneDx
Classification: Uncertain significance. Last evaluated: 2024-04-04. Review status: criteria provided, single submitter. Criteria: GeneDx Variant Classification Process June 2021. Collection method: clinical testing. Allele origin: germline. Affected: yes.
Comment: In silico analysis supports that this missense variant has a deleterious effect on protein structure/function; Has not been previously published as pathogenic or benign to our knowledge; This variant is associated with the following publications: (PMID: 34580720)

Ambry Genetics
Classification: Uncertain significance for Hereditary cancer-predisposing syndrome. Last evaluated: 2023-09-02. Review status: criteria provided, single submitter. Criteria: Ambry Variant Classification Scheme 2023. Collection method: clinical testing. Allele origin: germline.
Comment: The p.S494F variant (also known as c.1481C>T), located in coding exon 14 of the TSC2 gene, results from a C to T substitution at nucleotide position 1481. The serine at codon 494 is replaced by phenylalanine, an amino acid with highly dissimilar properties. This amino acid position is not well conserved in available vertebrate species. In addition, the in silico prediction for this alteration is inconclusive. Since supporting evidence is limited at this time, the clinical significance of this alteration remains unclear.

Baylor Genetics
Classification: Uncertain significance for Isolated focal cortical dysplasia type II. Last evaluated: 2023-07-07. Review status: criteria provided, single submitter. Criteria: ACMG Guidelines, 2015. Collection method: clinical testing. Allele origin: unknown.

Genome-Nilou Lab
Classification: Uncertain significance for Tuberous sclerosis 2. Last evaluated: 2021-11-07. Review status: criteria provided, single submitter. Criteria: ACMG Guidelines, 2015. Collection method: clinical testing. Allele origin: germline. Affected: no.